The following is an entry in ClinVar:

NM_000098.3(CPT2):c.1352G>A (p.Gly451Glu)

Gene: CPT2 (carnitine palmitoyltransferase 2; plus strand). Cytogenetic location: 1p32.3.
Variant type: single nucleotide variant.
Coding change: c.1352G>A on transcript NM_000098.3 (MANE Select); coding-DNA position 1352, G replaced by A.
Protein change: p.Gly451Glu; replaces glycine 451 with glutamic acid.
Molecular consequence: missense variant.
Genome position (GRCh38, 1-based): chr1:53,211,026, G>A. VCF-style: chr1-53211026-G-A. GRCh37 (hg19) VCF-style: chr1-53676698-G-A.
Other names: c.1352G>A, p.Gly451Glu (NM_001330589.2); short protein forms G451E.
Identifiers: ClinVar variation 4881603 (VCV004881603.2).

ClinVar aggregate classification (germline): Uncertain significance (1 of 4 stars; one submission).

gnomAD v4.1: 3 of 1,614,082 alleles (0.00019%); highest among the groups gnomAD compares: Non-Finnish European, 0.00025%; no homozygotes.

Submission:

Dasa
Classification: Uncertain significance. Last evaluated: 2024-11-20. Review status: criteria provided, single submitter. Criteria: DASA Assertion Criteria. Collection method: clinical testing. Allele origin: germline.
Comment: NM_000098.3(CPT2):c.1352G>A (p.Gly451Glu) is a missense variant that results in the substitution of glycine with glutamic acid. This variant is rare in population databases. Computational prediction algorithms are consistent with a deleterious effect. The currently available literature and clinical evidence are not sufficient to establish a definitive association between this variant and the reported condition. Therefore, this variant is classified as a variant of uncertain significance.